The following is an entry in ClinVar:

ClinVar aggregate classification (germline): Uncertain significance (1 of 4 stars; one submission).

Conditions:
Cardiovascular phenotype. Identifiers: MedGen CN230736.

Submission:

Ambry Genetics
Classification: Uncertain significance for Cardiovascular phenotype. Last evaluated: 2025-01-06. Review status: criteria provided, single submitter. Criteria: Ambry Variant Classification Scheme 2023. Collection method: clinical testing. Allele origin: germline.
Comment: The p.P152T variant (also known as c.454C>A), located in coding exon 1 of the LOX gene, results from a C to A substitution at nucleotide position 454. The proline at codon 152 is replaced by threonine, an amino acid with highly similar properties. This amino acid position is conserved. In addition, this alteration is predicted to be tolerated by in silico analysis. Based on the available evidence, the clinical significance of this variant remains unclear.

NM_002317.7(LOX):c.454C>A (p.Pro152Thr)

Genes: LOX (lysyl oxidase; minus strand), SRFBP1 (serum response factor binding protein 1; plus strand). Cytogenetic location: 5q23.1.
Variant type: single nucleotide variant.
Coding change: c.454C>A on transcript NM_002317.7 (MANE Select); coding-DNA position 454, C replaced by A.
Protein change: p.Pro152Thr; replaces proline 152 with threonine.
Molecular consequence: missense variant.
Genome position (GRCh38, 1-based): chr5:122,077,532, G>T on the plus strand (C>A on the coding strand, the complement: LOX is on the minus strand). VCF-style: chr5-122077532-G-T. GRCh37 (hg19) VCF-style: chr5-121413227-G-T.
Other names: short protein forms P152T.
Identifiers: ClinVar variation 3867692 (VCV003867692.1).